The following is an entry in ClinVar:

ClinVar aggregate classification (germline): Uncertain significance (1 of 4 stars; one submission).

Conditions:
Cohen syndrome (COH1). Also called: PEPPER SYNDROME; Cutis verticis gyrata, retinitis pigmentosa, and sensorineural deafness. Identifiers: Orphanet 193, MedGen C0265223, MONDO:0008999, OMIM 216550.

Submission:

Labcorp Genetics (formerly Invitae), Labcorp
Classification: Uncertain significance for Cohen syndrome. Last evaluated: 2021-09-10. Review status: criteria provided, single submitter. Criteria: Invitae Variant Classification Sherloc (09022015). Collection method: clinical testing. Allele origin: germline.
Comment: This sequence change replaces leucine with valine at codon 3895 of the VPS13B protein (p.Leu3895Val). The leucine residue is moderately conserved and there is a small physicochemical difference between leucine and valine. In summary, the available evidence is currently insufficient to determine the role of this variant in disease. Therefore, it has been classified as a Variant of Uncertain Significance. Algorithms developed to predict the effect of missense changes on protein structure and function are either unavailable or do not agree on the potential impact of this missense change (SIFT: "Not Available"; PolyPhen-2: "Benign"; Align-GVGD: "Not Available"). This variant has not been reported in the literature in individuals affected with VPS13B-related conditions. This variant is not present in population databases (ExAC no frequency).

NM_152564.5(VPS13B):c.11608C>G (p.Leu3870Val)

Gene: VPS13B (vacuolar protein sorting 13 homolog B; plus strand). Cytogenetic location: 8q22.2.
Variant type: single nucleotide variant.
Coding change: c.11608C>G on transcript NM_152564.5 (MANE Select); coding-DNA position 11608, C replaced by G.
Protein change: p.Leu3870Val; replaces leucine 3870 with valine.
Molecular consequence: missense variant.
Genome position (GRCh38, 1-based): chr8:99,871,560, C>G. VCF-style: chr8-99871560-C-G. GRCh37 (hg19) VCF-style: chr8-100883788-C-G.
Other names: c.11683C>G, p.Leu3895Val (NM_017890.5); short protein forms L3870V, L3895V.
Identifiers: ClinVar variation 1489683 (VCV001489683.4), dbSNP rs2130975573, ClinGen allele CA371794444.
Genomic context (GRCh38, chr8:99,871,560, plus strand): 5'-GTTCTGGTGAGGGGCTCAGGCCAGGAGCATGAAGGGTGCTTGCTGCTGACATCAGAAGTG[C>G]TCTTCGTGGTGAGTGTCAGTGAGGACACACAGCAGCAGGCCTTCCCCGTCACAGAAATCG-3'
Protein context (NP_689777.3, residues 3860-3880): EGCLLLTSEV[Leu3870Val]FVVSVSEDTQ